The following is an entry in ClinVar:

NM_000285.4(PEPD):c.403G>A (p.Val135Ile)

Gene: PEPD (peptidase D; minus strand). Cytogenetic location: 19q13.11.
Variant type: single nucleotide variant.
Coding change: c.403G>A on transcript NM_000285.4 (MANE Select); coding-DNA position 403, G replaced by A.
Protein change: p.Val135Ile; replaces valine 135 with isoleucine.
Molecular consequence: missense variant.
Genome position (GRCh38, 1-based): chr19:33,493,328, C>T on the plus strand (G>A on the coding strand, the complement: PEPD is on the minus strand). VCF-style: chr19-33493328-C-T. GRCh37 (hg19) VCF-style: chr19-33984234-C-T.
Other names: c.403G>A, p.Val135Ile (NM_001166056.2); c.211G>A, p.Val71Ile (NM_001166057.2); c.403G>A (NM_000285.3); short protein forms V135I, V71I.
Identifiers: ClinVar variation 1430949 (VCV001430949.7), dbSNP rs777913990, ClinGen allele CA9364361.

ClinVar aggregate classification (germline): Conflicting classifications of pathogenicity. Review status: criteria provided, conflicting classifications (1 of 4 stars). 3 submissions from 3 submitters: Uncertain significance (2); Likely benign (1). Last evaluated 2025-02-12.

Conditions:
Inborn genetic diseases. Identifiers: MedGen C0950123, MeSH D030342.

Allele frequency attached by ClinVar (database versions not stated): ExAC 0.00002.
gnomAD v4.1: 37 of 1,612,962 alleles (0.0023%); highest among the groups gnomAD compares: Non-Finnish European, 0.0029%; no homozygotes.

Submissions (3):

Ambry Genetics
Classification: Uncertain significance for Inborn genetic diseases. Last evaluated: 2025-02-12. Review status: criteria provided, single submitter. Criteria: Ambry Variant Classification Scheme 2023. Collection method: clinical testing. Allele origin: germline.

Labcorp Genetics (formerly Invitae), Labcorp
Classification: Uncertain significance. Last evaluated: 2022-06-20. Review status: criteria provided, single submitter. Criteria: Invitae Variant Classification Sherloc (09022015). Collection method: clinical testing. Allele origin: germline.
Comment: This sequence change replaces valine, which is neutral and non-polar, with isoleucine, which is neutral and non-polar, at codon 135 of the PEPD protein (p.Val135Ile). This variant is present in population databases (rs777913990, gnomAD 0.003%). This variant has not been reported in the literature in individuals affected with PEPD-related conditions. Algorithms developed to predict the effect of missense changes on protein structure and function output the following: SIFT: "Tolerated"; PolyPhen-2: "Benign"; Align-GVGD: "Class C0". The isoleucine amino acid residue is found in multiple mammalian species, which suggests that this missense change does not adversely affect protein function. In summary, the available evidence is currently insufficient to determine the role of this variant in disease. Therefore, it has been classified as a Variant of Uncertain Significance.

Blueprint Genetics
Classification: Likely benign. Last evaluated: 2019-07-05. Review status: criteria provided, single submitter. Criteria: ACMG Guidelines, 2015. Collection method: clinical testing. Allele origin: germline.